The following is an entry in ClinVar:

NM_001355436.2(SPTB):c.173dup (p.Thr59fs)

Gene: SPTB (spectrin beta, erythrocytic; minus strand). Cytogenetic location: 14q23.3.
Variant type: Duplication.
Coding change: c.173dup on transcript NM_001355436.2 (MANE Select); coding-DNA position 173, one base duplicated (A; older notation c.173dupA).
Protein change: p.Thr59fs; shifts the reading frame from threonine 59.
Molecular consequence: frameshift variant.
Genome position (GRCh38, 1-based): chr14:64,805,066, T duplicated on the plus strand (A on the coding strand, the reverse complement: SPTB is on the minus strand); the first of 5 consecutive T bases (chr14:64,805,066-64,805,070); duplicating any one gives the same sequence. VCF-style (leftmost placement, unchanged base first): chr14-64805065-C-CT. GRCh37 (hg19) VCF-style: chr14-65271783-C-CT.
Other names: c.173dup, p.Thr59fs (NM_001024858.4, NM_001355437.2); short protein forms T59fs.
Identifiers: ClinVar variation 1802693 (VCV001802693.2), dbSNP rs2503227561, ClinGen allele CA2580088555.

ClinVar aggregate classification (germline): Pathogenic (1 of 4 stars; one submission).

Submission:

MVZ Dr. Eberhard & Partner Dortmund
Classification: Pathogenic. Last evaluated: 2022-07-07. Review status: criteria provided, single submitter. Criteria: ACMG Guidelines, 2015. Collection method: clinical testing. Allele origin: unknown. Observed: 2 compound heterozygotes.
Comment: This variant likely produces a premature stop codon thus leading to a null variant. We found at least one published case where the patient carried this variant and simultaneously suffered from hereditary spherocytosis (PMID: 29572776). This variant is not present in population databases.